The following is an entry in ClinVar:

NM_001184.4(ATR):c.890A>C (p.Lys297Thr)

Gene: ATR (ATR serine/threonine kinase; minus strand). Cytogenetic location: 3q23.
Variant type: single nucleotide variant.
Coding change: c.890A>C on transcript NM_001184.4 (MANE Select); coding-DNA position 890, A replaced by C.
Protein change: p.Lys297Thr; replaces lysine 297 with threonine.
Molecular consequence: missense variant.
Genome position (GRCh38, 1-based): chr3:142,562,512, T>G on the plus strand (A>C on the coding strand, the complement: ATR is on the minus strand). VCF-style: chr3-142562512-T-G. GRCh37 (hg19) VCF-style: chr3-142281354-T-G.
Other names: c.890A>C, p.Lys297Thr (NM_001354579.2); short protein forms K297T.
Identifiers: ClinVar variation 3462550 (VCV003462550.1).

ClinVar aggregate classification (germline): Uncertain significance (1 of 4 stars; one submission).

Conditions:
Inborn genetic diseases. Identifiers: MedGen C0950123, MeSH D030342.

Submission:

Ambry Genetics
Classification: Uncertain significance for Inborn genetic diseases. Last evaluated: 2024-08-26. Review status: criteria provided, single submitter. Criteria: Ambry Variant Classification Scheme 2023. Collection method: clinical testing. Allele origin: germline.
Comment: The p.K297T variant (also known as c.890A>C), located in coding exon 4 of the ATR gene, results from an A to C substitution at nucleotide position 890. The lysine at codon 297 is replaced by threonine, an amino acid with similar properties. This amino acid position is conserved. In addition, this alteration is predicted to be tolerated by in silico analysis. Based on the available evidence, the clinical significance of this variant remains unclear.